The following is an entry in ClinVar:

NM_000523.4(HOXD13):c.974A>G (p.Gln325Arg)

Gene: HOXD13 (homeobox D13; plus strand). Cytogenetic location: 2q31.1.
Variant type: single nucleotide variant.
Coding change: c.974A>G on transcript NM_000523.4 (MANE Select); coding-DNA position 974, A replaced by G.
Protein change: p.Gln325Arg; replaces glutamine 325 with arginine.
Molecular consequence: missense variant.
Genome position (GRCh38, 1-based): chr2:176,094,672, A>G. VCF-style: chr2-176094672-A-G. GRCh37 (hg19) VCF-style: chr2-176959400-A-G.
Other names: Q317R; c.974A>G (NM_000523.3); short protein forms Q325R.
Identifiers: ClinVar variation 14874 (VCV000014874.2), dbSNP rs104893635, ClinGen allele CA124418.
Genomic context (GRCh38, chr2:176,094,672, plus strand): 5'-AGCGGCGGCGTATCTCGGCTGCTACGAACCTATCTGAGAGACAAGTGACCATTTGGTTTC[A>G]GAACCGAAGAGTGAAGGACAAGAAAATTGTCTCCAAGCTCAAAGATACTGTCTCCTGATG-3'
Protein context (NP_000514.2, residues 315-335): LSERQVTIWF[Gln325Arg]NRRVKDKKIV

ClinVar aggregate classification (germline): Likely pathogenic. Review status: criteria provided, single submitter (1 of 4 stars). 2 submissions from 2 submitters: Likely pathogenic (1). 1 of the submissions does not count toward it. Last evaluated 2025-09-15.

Conditions:
HOXD13-related disorder. Also called: HOXD13-related disorders; HOXD13-related condition.
Syndactyly type 5. Also called: Syndactyly with associated metacarpal and metatarsal fusion; Syndactyly, type V; SYNDACTYLY WITH METACARPAL AND METATARSAL FUSION. Identifiers: Orphanet 93406, MedGen C1861348, MONDO:0008516, OMIM 186300.

Submissions (2):

PreventionGenetics, part of Exact Sciences
Classification: Likely pathogenic for HOXD13-related condition. Last evaluated: 2025-09-15. Review status: criteria provided, single submitter. Criteria: ACMG Guidelines, 2015. Collection method: clinical testing. Allele origin: germline.
Comment: The HOXD13 c.974A>G variant is predicted to result in the amino acid substitution p.Gln325Arg. This variant is also referred to as c.950A>G (p.Gln317Arg). It has been reported in individuals with syndactyly and segregates with the condition in a multi-generational family (Zhao et al. 2007. PubMed ID: 17236141). Functional studies support its pathogenicity (Zhao et al. 2007. PubMed ID: 17236141; Barrera et al. 2016. PubMed ID: 27013732). Additionally, an alternative substitution affecting the same amino acid (p.Gln317Lys) has also been reported in individuals with syndactyly (Ibrahim et al. 2013. PubMed ID: 23995701). This variant is not present in large population databases such as gnomAD, indicating that it is rare. Based on the available evidence, this variant is interpreted as likely pathogenic.

OMIM
Classification: Pathogenic for SYNDACTYLY, TYPE V. Last evaluated: 2007-02-01. Review status: no assertion criteria provided. Collection method: literature only. Allele origin: germline. Not counted in ClinVar's aggregate classification.

Literature cited by the submitters: PubMed 17236141 (cited by OMIM).